The following is an entry in ClinVar:

NM_000138.5(FBN1):c.1855del (p.Thr619fs)

Gene: FBN1 (fibrillin 1; minus strand). Cytogenetic location: 15q21.1.
Variant type: Deletion.
Coding change: c.1855del on transcript NM_000138.5 (MANE Select); coding-DNA position 1855, one base deleted (A; older notation c.1855delA).
Protein change: p.Thr619fs; shifts the reading frame from threonine 619.
Molecular consequence: frameshift variant.
Genome position (GRCh38, 1-based): chr15:48,505,130, T deleted on the plus strand (A on the coding strand, the reverse complement: FBN1 is on the minus strand); the first of 3 consecutive T bases (chr15:48,505,130-48,505,132); deleting any one gives the same sequence. VCF-style (leftmost placement, unchanged base first): chr15-48505129-GT-G. GRCh37 (hg19) VCF-style: chr15-48797326-GT-G.
Other names: short protein forms T619fs.
Identifiers: ClinVar variation 1454051 (VCV001454051.6), dbSNP rs2141317454, ClinGen allele CA2573150801.

ClinVar aggregate classification (germline): Pathogenic (1 of 4 stars; one submission).

Conditions:
Marfan syndrome (MFS). Also called: MARFAN SYNDROME, TYPE I; Marfan syndrome type 1; Marfan's syndrome; Marfan syndrome, classic; FBN1-Related Marfan Syndrome. Identifiers: Orphanet 284963, Orphanet 558, MedGen C0024796, MONDO:0007947, OMIM 154700.
Familial thoracic aortic aneurysm and aortic dissection (TAAD). Also called: Thoracic aortic aneurysms and dissections. Identifiers: Orphanet 91387, MedGen C4707243, MONDO:0019625.

Submission:

Labcorp Genetics (formerly Invitae), Labcorp
Classification: Pathogenic for Marfan syndrome; Familial thoracic aortic aneurysm and aortic dissection. Last evaluated: 2021-04-28. Review status: criteria provided, single submitter. Criteria: Invitae Variant Classification Sherloc (09022015). Collection method: clinical testing. Allele origin: germline.
Comment: This variant is not present in population databases (ExAC no frequency). This sequence change creates a premature translational stop signal (p.Thr619Profs*6) in the FBN1 gene. It is expected to result in an absent or disrupted protein product. Loss-of-function variants in FBN1 are known to be pathogenic (PMID: 17657824, 19293843). This variant has not been reported in the literature in individuals with FBN1-related conditions. For these reasons, this variant has been classified as Pathogenic.

Literature cited by the submitters: PubMed 17657824; PubMed 19293843.